The following is an entry in ClinVar:

NM_020632.3(ATP6V0A4):c.1999C>T (p.Arg667Trp)

Gene: ATP6V0A4 (ATPase H+ transporting V0 subunit a4; minus strand). Cytogenetic location: 7q34.
Variant type: single nucleotide variant.
Coding change: c.1999C>T on transcript NM_020632.3 (MANE Select); coding-DNA position 1999, C replaced by T.
Protein change: p.Arg667Trp; replaces arginine 667 with tryptophan.
Molecular consequence: missense variant.
Genome position (GRCh38, 1-based): chr7:138,728,772, G>A on the plus strand (C>T on the coding strand, the complement: ATP6V0A4 is on the minus strand). VCF-style: chr7-138728772-G-A. GRCh37 (hg19) VCF-style: chr7-138413517-G-A.
Other names: c.1999C>T, p.Arg667Trp (NM_130840.3, NM_130841.3); short protein forms R667W.
Identifiers: ClinVar variation 2172088 (VCV002172088.6), dbSNP rs150175783, ClinGen allele CA4504573.
Genomic context (GRCh38, chr7:138,728,772, plus strand): 5'-ACCCACATTCTTATGCAAAGTAGGGTGAACTGAAACAAACAGCCCTTACCTGGGATTTCC[G>A]ATGACTGGCTCTAAGAATAAACGGCTTAATCAGAAGCATCCACGGCACAGAAATCAAAGC-3'
Protein context (NP_065683.2, residues 657-677): IKPFILRASH[Arg667Trp]KSQLQASRIQ

ClinVar aggregate classification (germline): Uncertain significance. Review status: criteria provided, multiple submitters, no conflicts (2 of 4 stars). 3 submissions from 3 submitters: Uncertain significance (3). Last evaluated 2024-06-08.

Conditions:
Renal tubular acidosis, distal, 3, with or without sensorineural hearing loss (DRTA3). Identifiers: MedGen C5399980, MONDO:0011268, OMIM 602722.

Allele frequency attached by ClinVar (database versions not stated): 1000 Genomes Project 30x 0.00016; 1000 Genomes Project 0.00020; gnomAD 0.00025; TOPMed 0.00029; ExAC 0.00033; ESP Exome Variant Server 0.00038.
gnomAD v4.1: 280 of 1,614,138 alleles (0.017%); highest among the groups gnomAD compares: Middle Eastern, 0.13%; no homozygotes.

Submissions (3):

Labcorp Genetics (formerly Invitae), Labcorp
Classification: Uncertain significance. Last evaluated: 2024-06-08. Review status: criteria provided, single submitter. Criteria: Invitae Variant Classification Sherloc (09022015). Collection method: clinical testing. Allele origin: germline.
Comment: This sequence change replaces arginine, which is basic and polar, with tryptophan, which is neutral and slightly polar, at codon 667 of the ATP6V0A4 protein (p.Arg667Trp). This variant is present in population databases (rs150175783, gnomAD 0.05%). This variant has not been reported in the literature in individuals affected with ATP6V0A4-related conditions. ClinVar contains an entry for this variant (Variation ID: 2172088). Advanced modeling of protein sequence and biophysical properties (such as structural, functional, and spatial information, amino acid conservation, physicochemical variation, residue mobility, and thermodynamic stability) performed at Invitae indicates that this missense variant is not expected to disrupt ATP6V0A4 protein function with a negative predictive value of 80%. Algorithms developed to predict the effect of sequence changes on RNA splicing suggest that this variant may disrupt the consensus splice site. In summary, the available evidence is currently insufficient to determine the role of this variant in disease. Therefore, it has been classified as a Variant of Uncertain Significance.

Fulgent Genetics
Classification: Uncertain significance for Renal tubular acidosis, distal, 3, with or without sensorineural hearing loss. Last evaluated: 2024-04-12. Review status: criteria provided, single submitter. Criteria: ACMG Guidelines, 2015. Collection method: clinical testing. Allele origin: germline.

Revvity Omics, Revvity
Classification: Uncertain significance for Renal tubular acidosis, distal, 3, with or without sensorineural hearing loss. Last evaluated: 2021-08-27. Review status: criteria provided, single submitter. Criteria: ACMG Guidelines, 2015. Collection method: clinical testing. Allele origin: germline.